The following is an entry in ClinVar:

NM_015160.3(PMPCA):c.275-19A>G

Gene: PMPCA (peptidase, mitochondrial processing subunit alpha; plus strand). Cytogenetic location: 9q34.3.
Variant type: single nucleotide variant.
Coding change: c.275-19A>G on transcript NM_015160.3 (MANE Select); 19 bases into the intron before coding-DNA position 275, A replaced by G.
Molecular consequence: intron variant.
Genome position (GRCh38, 1-based): chr9:136,412,471, A>G. VCF-style: chr9-136412471-A-G. GRCh37 (hg19) VCF-style: chr9-139306923-A-G.
Other names: c.-24-19A>G (NM_001282946.2, NM_001282944.2).
Identifiers: ClinVar variation 2992148 (VCV002992148.3), dbSNP rs2538837134, ClinGen allele CA2579516555.

ClinVar aggregate classification (germline): Uncertain significance (1 of 4 stars; one submission).

Allele frequency attached by ClinVar (database versions not stated): gnomAD exomes below 0.00001.

Submission:

Labcorp Genetics (formerly Invitae), Labcorp
Classification: Uncertain significance. Last evaluated: 2023-10-11. Review status: criteria provided, single submitter. Criteria: Invitae Variant Classification Sherloc (09022015). Collection method: clinical testing. Allele origin: germline.
Comment: This sequence change falls in intron 2 of the PMPCA gene. It does not directly change the encoded amino acid sequence of the PMPCA protein. This variant is not present in population databases (gnomAD no frequency). This variant has not been reported in the literature in individuals affected with PMPCA-related conditions. Algorithms developed to predict the effect of sequence changes on RNA splicing suggest that this variant may create or strengthen a splice site. In summary, the available evidence is currently insufficient to determine the role of this variant in disease. Therefore, it has been classified as a Variant of Uncertain Significance.